The following is an entry in ClinVar:

NM_020937.4(FANCM):c.4897G>T (p.Asp1633Tyr)

Gene: FANCM (FA complementation group M; plus strand). Cytogenetic location: 14q21.2.
Variant type: single nucleotide variant.
Coding change: c.4897G>T on transcript NM_020937.4 (MANE Select); coding-DNA position 4897, G replaced by T.
Protein change: p.Asp1633Tyr; replaces aspartic acid 1633 with tyrosine.
Molecular consequence: missense variant.
Genome position (GRCh38, 1-based): chr14:45,188,919, G>T. VCF-style: chr14-45188919-G-T. GRCh37 (hg19) VCF-style: chr14-45658122-G-T.
Other names: c.4819G>T, p.Asp1607Tyr (NM_001308133.2); short protein forms D1607Y, D1633Y.
Identifiers: ClinVar variation 3848748 (VCV003848748.1).
Genomic context (GRCh38, chr14:45,188,919, plus strand): 5'-TCTTGCAAAGGCCAATCAAGTGAAGAAGAAGTTTGTGTTGATTTTAACTTAATAACTGAT[G>T]ATTGCTTTGCAAATAGTAAAAAGTATAAAACTCGACGTGCAGTAATGCTAAAAGAAATGA-3'
Protein context (NP_065988.1, residues 1623-1643): VCVDFNLITD[Asp1633Tyr]CFANSKKYKT

ClinVar aggregate classification (germline): Uncertain significance (1 of 4 stars; one submission).

Conditions:
Inborn genetic diseases. Identifiers: MedGen C0950123, MeSH D030342.

gnomAD v4.1: 3 of 1,613,908 alleles (0.00019%); highest among the groups gnomAD compares: East Asian, 0.0045%; no homozygotes.

Submission:

Ambry Genetics
Classification: Uncertain significance for Inborn genetic diseases. Last evaluated: 2025-02-21. Review status: criteria provided, single submitter. Criteria: Ambry Variant Classification Scheme 2023. Collection method: clinical testing. Allele origin: germline.
Comment: The p.D1633Y variant (also known as c.4897G>T), located in coding exon 20 of the FANCM gene, results from a G to T substitution at nucleotide position 4897. The aspartic acid at codon 1633 is replaced by tyrosine, an amino acid with highly dissimilar properties. This amino acid position is conserved. In addition, the in silico prediction for this alteration is inconclusive. Based on the available evidence, the clinical significance of this variant remains unclear.